The following is an entry in ClinVar:

NM_022552.5(DNMT3A):c.371C>T (p.Thr124Ile)

Gene: DNMT3A (DNA methyltransferase 3 alpha; minus strand). Cytogenetic location: 2p23.3.
Variant type: single nucleotide variant.
Coding change: c.371C>T on transcript NM_022552.5 (MANE Select); coding-DNA position 371, C replaced by T.
Protein change: p.Thr124Ile; replaces threonine 124 with isoleucine.
Molecular consequence: missense variant. On other transcripts: non-coding transcript variant (1).
Genome position (GRCh38, 1-based): chr2:25,282,518, G>A on the plus strand (C>T on the coding strand, the complement: DNMT3A is on the minus strand). VCF-style: chr2-25282518-G-A. GRCh37 (hg19) VCF-style: chr2-25505387-G-A.
Other names: c.371C>T (NM_175629.1); c.371C>T, p.Thr124Ile (NM_001320892.2, NM_175629.2, NM_175630.1); short protein forms T124I.
Identifiers: ClinVar variation 2734590 (VCV002734590.4), dbSNP rs2031959193, ClinGen allele CA346083794.

ClinVar aggregate classification (germline): Uncertain significance. Review status: criteria provided, multiple submitters, no conflicts (2 of 4 stars). 2 submissions from 2 submitters: Uncertain significance (2). Last evaluated 2025-11-13.

Conditions:
Inborn genetic diseases. Identifiers: MedGen C0950123, MeSH D030342.
Tatton-Brown-Rahman overgrowth syndrome. Also called: Tatton-Brown-Rahman syndrome; Tall stature-intellectual disability-facial dysmorphism syndrome. Identifiers: Orphanet 404443, MedGen C4014545, MONDO:0014382, OMIM 615879.

gnomAD v4.1: 1 of 1,613,464 alleles (0.000062%); no homozygotes.

Submissions (2):

Ambry Genetics
Classification: Uncertain significance for Inborn genetic diseases. Last evaluated: 2025-11-13. Review status: criteria provided, single submitter. Criteria: Ambry Variant Classification Scheme 2023. Collection method: clinical testing. Allele origin: germline.

Labcorp Genetics (formerly Invitae), Labcorp
Classification: Uncertain significance for Tatton-Brown-Rahman overgrowth syndrome. Last evaluated: 2023-07-02. Review status: criteria provided, single submitter. Criteria: Invitae Variant Classification Sherloc (09022015). Collection method: clinical testing. Allele origin: germline.
Comment: In summary, the available evidence is currently insufficient to determine the role of this variant in disease. Therefore, it has been classified as a Variant of Uncertain Significance. An algorithm developed to predict the effect of missense changes on protein structure and function (PolyPhen-2) suggests that this variant is likely to be tolerated. This variant has not been reported in the literature in individuals affected with DNMT3A-related conditions. This variant is not present in population databases (gnomAD no frequency). This sequence change replaces threonine, which is neutral and polar, with isoleucine, which is neutral and non-polar, at codon 124 of the DNMT3A protein (p.Thr124Ile).